The following is an entry in ClinVar:

ClinVar aggregate classification (germline): Uncertain significance (1 of 4 stars; one submission).

Submission:

Labcorp Genetics (formerly Invitae), Labcorp
Classification: Uncertain significance. Last evaluated: 2024-01-24. Review status: criteria provided, single submitter. Criteria: Invitae Variant Classification Sherloc (09022015). Collection method: clinical testing. Allele origin: germline.
Comment: This sequence change replaces serine, which is neutral and polar, with alanine, which is neutral and non-polar, at codon 1431 of the CLTC protein (p.Ser1431Ala). This variant is not present in population databases (gnomAD no frequency). This variant has not been reported in the literature in individuals affected with CLTC-related conditions. Advanced modeling of protein sequence and biophysical properties (such as structural, functional, and spatial information, amino acid conservation, physicochemical variation, residue mobility, and thermodynamic stability) performed at Invitae indicates that this missense variant is not expected to disrupt CLTC protein function with a negative predictive value of 80%. In summary, the available evidence is currently insufficient to determine the role of this variant in disease. Therefore, it has been classified as a Variant of Uncertain Significance.

NM_004859.4(CLTC):c.4279T>G (p.Ser1427Ala)

Genes: CLTC (clathrin heavy chain; plus strand), LOC126862609 (CDK7 strongly-dependent group 2 enhancer GRCh37_chr17:57760547-57761746; plus strand). Cytogenetic location: 17q23.1.
Variant type: single nucleotide variant.
Coding change: c.4279T>G on transcript NM_004859.4 (MANE Select); coding-DNA position 4279, T replaced by G.
Protein change: p.Ser1427Ala; replaces serine 1427 with alanine.
Molecular consequence: missense variant.
Genome position (GRCh38, 1-based): chr17:59,683,712, T>G. VCF-style: chr17-59683712-T-G. GRCh37 (hg19) VCF-style: chr17-57761073-T-G.
Other names: c.4291T>G, p.Ser1431Ala (NM_001288653.2); short protein forms S1431A, S1427A.
Identifiers: ClinVar variation 3633193 (VCV003633193.2).